The following is an entry in ClinVar:

NM_020949.3(SLC7A14):c.2071_2072delinsGA (p.Ser691Asp)

Genes: SLC7A14 (solute carrier family 7 member 14; minus strand), SLC7A14-AS1 (SLC7A14 antisense RNA 1; plus strand). Cytogenetic location: 3q26.2.
Variant type: Indel.
Coding change: c.2071_2072delinsGA on transcript NM_020949.3 (MANE Select); coding-DNA positions 2071 to 2072, AG replaced by GA.
Protein change: p.Ser691Asp; replaces serine 691 with aspartic acid.
Molecular consequence: missense variant. On other transcripts: non-coding transcript variant (3).
Genome position (GRCh38, 1-based): chr3:170,467,299-170,467,300, CT replaced by TC on the plus strand (AG replaced by GA on the coding strand, the reverse complement: SLC7A14 is on the minus strand). VCF-style: chr3-170467299-CT-TC. GRCh37 (hg19) VCF-style: chr3-170185087-CT-TC.
Other names: short protein forms S691D.
Identifiers: ClinVar variation 2833356 (VCV002833356.3), dbSNP rs2473351214, ClinGen allele CA2739278532.

ClinVar aggregate classification (germline): Uncertain significance (1 of 4 stars; one submission).

Submission:

Labcorp Genetics (formerly Invitae), Labcorp
Classification: Uncertain significance. Last evaluated: 2023-01-31. Review status: criteria provided, single submitter. Criteria: Invitae Variant Classification Sherloc (09022015). Collection method: clinical testing. Allele origin: germline.
Comment: This sequence change replaces serine, which is neutral and polar, with aspartic acid, which is acidic and polar, at codon 691 of the SLC7A14 protein (p.Ser691Asp). In summary, the available evidence is currently insufficient to determine the role of this variant in disease. Therefore, it has been classified as a Variant of Uncertain Significance. An algorithm developed to predict the effect of missense changes on protein structure and function (PolyPhen-2) suggests that this variant is likely to be tolerated. This variant has not been reported in the literature in individuals affected with SLC7A14-related conditions. Information on the frequency of this variant in the gnomAD database is not available, as this variant may be reported differently in the database.